The following is an entry in ClinVar:

ClinVar aggregate classification (germline): Uncertain significance (1 of 4 stars; one submission).

Submission:

GeneDx
Classification: Uncertain significance. Last evaluated: 2024-12-23. Review status: criteria provided, single submitter. Criteria: GeneDx Variant Classification Process June 2021. Collection method: clinical testing. Allele origin: germline. Affected: yes.
Comment: Not observed at significant frequency in large population cohorts (gnomAD); In silico analysis supports that this missense variant has a deleterious effect on protein structure/function; Has not been previously published as pathogenic or benign to our knowledge

NM_001252102.2(KIF21B):c.1014C>G (p.Asn338Lys)

Gene: KIF21B (kinesin family member 21B; minus strand). Cytogenetic location: 1q32.1.
Variant type: single nucleotide variant.
Coding change: c.1014C>G on transcript NM_001252102.2 (MANE Select); coding-DNA position 1014, C replaced by G.
Protein change: p.Asn338Lys; replaces asparagine 338 with lysine.
Molecular consequence: missense variant.
Genome position (GRCh38, 1-based): chr1:201,004,342, G>C on the plus strand (C>G on the coding strand, the complement: KIF21B is on the minus strand). VCF-style: chr1-201004342-G-C. GRCh37 (hg19) VCF-style: chr1-200973470-G-C.
Other names: c.1014C>G, p.Asn338Lys (NM_001252100.2, NM_001252103.2, NM_017596.4); short protein forms N338K.
Identifiers: ClinVar variation 3906447 (VCV003906447.1).